The following is an entry in ClinVar:

ClinVar aggregate classification (germline): Likely pathogenic. Review status: criteria provided, multiple submitters, no conflicts (2 of 4 stars). 2 submissions from 2 submitters: Likely pathogenic (2). Last evaluated 2026-04-02.

Conditions:
Androgen resistance syndrome (AIS). Also called: ANDROGEN RECEPTOR DEFICIENCY; DIHYDROTESTOSTERONE RECEPTOR DEFICIENCY; TESTICULAR FEMINIZATION SYNDROME; Androgen insensitivity syndrome; Androgen insensitivity, complete; Androgen insensitivity syndrome due to coactivator deficiency. Identifiers: Orphanet 754, Orphanet 99429, MedGen C0039585, MONDO:0019154, OMIM 300068. Disease mechanism: loss of function.
Partial androgen insensitivity syndrome (PAIS). Also called: ANDROGEN INSENSITIVITY, PARTIAL, WITH OR WITHOUT BREAST CANCER; Reifenstein syndrome; Gynecomastia, familial; Pseudohermaphroditism, Incomplete male, type I; Reifenstein syndrome, partial; Androgen resistance syndrome, partial. Identifiers: Orphanet 90797, MedGen C0268301, MONDO:0010720, OMIM 312300.

Submissions (2):

Clinical Genetics Laboratory, Skane University Hospital Lund
Classification: Likely pathogenic for Partial androgen insensitivity syndrome. Last evaluated: 2026-04-02. Review status: criteria provided, single submitter. Criteria: ACMG Guidelines, 2015. Collection method: clinical testing. Allele origin: germline. Affected: yes.
Comment: PS4_supporting, PM2, PP3, PP4_moderate

Center of Excellence of Human Genetics, National Research Center
Classification: Likely pathogenic for Androgen resistance syndrome. Review status: criteria provided, single submitter. Criteria: ACMG Guidelines, 2015. Collection method: clinical testing. Allele origin: maternal. Affected: yes.
Comment: The variant is not reported in population datasets, and computational tools confirm its pathogenicity (REVEL: deleterious (0.87), MetaLR: deleterious (0.91), AlphaMissense: deleterious (0.99)). It has not been reported before in the literature. These evidences confirm the classification of a likely pathogenic variant.

Literature cited by the submitters: PubMed 32784047 (cited by Center of Excellence of Human Genetics, National Research Center).

NM_000044.6(AR):c.2329C>G (p.His777Asp)

Gene: AR (androgen receptor; plus strand). Cytogenetic location: Xq12.
Variant type: single nucleotide variant.
Coding change: c.2329C>G on transcript NM_000044.6 (MANE Select); coding-DNA position 2329, C replaced by G.
Protein change: p.His777Asp; replaces histidine 777 with aspartic acid.
Molecular consequence: missense variant.
Genome position (GRCh38, 1-based): chrX:67,721,843, C>G. VCF-style: chrX-67721843-C-G. GRCh37 (hg19) VCF-style: chrX-66941685-C-G.
Other names: c.733C>G, p.His245Asp (NM_001011645.3); short protein forms H245D, H777D.
Identifiers: ClinVar variation 4081595 (VCV004081595.2).
Genomic context (GRCh38, chrX:67,721,843, plus strand): 5'-TATTGTAAACTTCCCCTCATTCCTTTTTCCTCTGTGTATCTCCTTCCCAGGTACCGCATG[C>G]ACAAGTCCCGGATGTACAGCCAGTGTGTCCGAATGAGGCACCTCTCTCAAGAGTTTGGAT-3'
Protein context (NP_000035.2, residues 767-787): PDLVFNEYRM[His777Asp]KSRMYSQCVR